The following is an entry in ClinVar:

NM_017649.5(CNNM2):c.798G>C (p.Leu266=)

Gene: CNNM2 (cyclin and CBS domain divalent metal cation transport mediator 2; plus strand). Cytogenetic location: 10q24.32.
Variant type: single nucleotide variant.
Coding change: c.798G>C on transcript NM_017649.5 (MANE Select); coding-DNA position 798, G replaced by C.
Protein change: p.Leu266=; no amino-acid change (leucine 266 retained).
Molecular consequence: synonymous variant.
Genome position (GRCh38, 1-based): chr10:102,919,278, G>C. VCF-style: chr10-102919278-G-C. GRCh37 (hg19) VCF-style: chr10-104679035-G-C.
Other names: c.798G>C, p.Leu266= (NM_199076.3, NM_199077.3); c.798G>C (NM_017649.4).
Identifiers: ClinVar variation 4877021 (VCV004877021.2).

ClinVar aggregate classification (germline): Likely benign. Review status: criteria provided, multiple submitters, no conflicts (2 of 4 stars). 2 submissions from 2 submitters: Likely benign (2). Last evaluated 2026-05-14.

Conditions:
CNNM2-related disorder. Also called: CNNM2-related condition.

gnomAD v4.1: 1 of 1,613,912 alleles (0.000062%); highest among the groups gnomAD compares: Non-Finnish European, 0.000085%; no homozygotes.

Submissions (2):

Revvity Omics, Revvity
Classification: Likely benign. Last evaluated: 2026-05-14. Review status: criteria provided, single submitter. Criteria: ACMG Guidelines, 2015. Collection method: clinical testing. Allele origin: germline.

PreventionGenetics, part of Exact Sciences
Classification: Likely benign for CNNM2-related condition. Last evaluated: 2025-06-20. Review status: criteria provided, single submitter. Criteria: ACMG Guidelines, 2015. Collection method: clinical testing. Allele origin: germline.
Comment: This variant is classified as likely benign based on ACMG/AMP sequence variant interpretation guidelines (Richards et al. 2015 PMID: 25741868, with internal and published modifications).